The following is an entry in ClinVar:

ClinVar aggregate classification (germline): Likely benign (1 of 4 stars; one submission).

Submission:

GeneDx
Classification: Likely benign. Last evaluated: 2017-08-07. Review status: criteria provided, single submitter. Criteria: GeneDx Variant Classification (06012015). Collection method: clinical testing. Allele origin: germline. Affected: yes.
Comment: This variant is considered likely benign or benign based on one or more of the following criteria: it is a conservative change, it occurs at a poorly conserved position in the protein, it is predicted to be benign by multiple in silico algorithms, and/or has population frequency not consistent with disease.

NM_000051.4(ATM):c.6976-13C>T

Genes: ATM (ATM serine/threonine kinase; plus strand), C11orf65 (chromosome 11 open reading frame 65; minus strand). Cytogenetic location: 11q22.3.
Variant type: single nucleotide variant.
Coding change: c.6976-13C>T on transcript NM_000051.4 (MANE Select); 13 bases into the intron before coding-DNA position 6976, C replaced by T.
Molecular consequence: intron variant.
Genome position (GRCh38, 1-based): chr11:108,327,632, C>T. VCF-style: chr11-108327632-C-T. GRCh37 (hg19) VCF-style: chr11-108198359-C-T.
Other names: c.6976-13C>T (NM_001351834.2); c.641-18561G>A (NM_001330368.2); c.*38+7588G>A (NM_001351110.2).
Identifiers: ClinVar variation 511361 (VCV000511361.3), dbSNP rs1555120901, ClinGen allele CA658797763.